The following is an entry in ClinVar:

ClinVar aggregate classification (germline): Likely benign (1 of 4 stars; one submission).

Submission:

CeGaT Center for Human Genetics Tuebingen
Classification: Likely benign. Last evaluated: 2025-10-01. Review status: criteria provided, single submitter. Criteria: CeGaT Center For Human Genetics Tuebingen Variant Classification Criteria Version 2. Collection method: clinical testing. Allele origin: germline. Affected: yes. Observed: 1 variant allele.
Comment: HERC1: PM2:Supporting, BP4, BP7

NM_003922.4(HERC1):c.11937A>G (p.Gln3979=)

Gene: HERC1 (HECT and RLD domain containing E3 ubiquitin protein ligase family member 1; minus strand). Cytogenetic location: 15q22.31.
Variant type: single nucleotide variant.
Coding change: c.11937A>G on transcript NM_003922.4 (MANE Select); coding-DNA position 11937, A replaced by G.
Protein change: p.Gln3979=; no amino-acid change (glutamine 3979 retained).
Molecular consequence: synonymous variant.
Genome position (GRCh38, 1-based): chr15:63,638,741, T>C on the plus strand (A>G on the coding strand, the complement: HERC1 is on the minus strand). VCF-style: chr15-63638741-T-C. GRCh37 (hg19) VCF-style: chr15-63930940-T-C.
Identifiers: ClinVar variation 4535078 (VCV004535078.6).